The following is an entry in ClinVar:

NM_006929.5(SKIC2):c.3188G>C (p.Arg1063Pro)

Gene: SKIC2 (SKI2 subunit of superkiller complex; plus strand). Cytogenetic location: 6p21.33.
Variant type: single nucleotide variant.
Coding change: c.3188G>C on transcript NM_006929.5 (MANE Select); coding-DNA position 3188, G replaced by C.
Protein change: p.Arg1063Pro; replaces arginine 1063 with proline.
Molecular consequence: missense variant.
Genome position (GRCh38, 1-based): chr6:31,968,878, G>C. VCF-style: chr6-31968878-G-C. GRCh37 (hg19) VCF-style: chr6-31936655-G-C.
Other names: c.3188G>C (NM_006929.4); short protein forms R1063P.
Identifiers: ClinVar variation 3255345 (VCV003255345.2).

ClinVar aggregate classification (germline): Conflicting classifications of pathogenicity. Review status: criteria provided, conflicting classifications (1 of 4 stars). 2 submissions from 2 submitters: Likely pathogenic (1); Uncertain significance (1). Last evaluated 2025-10-24.

Conditions:
Trichohepatoenteric syndrome 2 (THES2). Identifiers: Orphanet 84064, MedGen C3281289, MONDO:0013818, OMIM 614602.
Inborn genetic diseases. Identifiers: MedGen C0950123, MeSH D030342.

gnomAD v4.1: 49 of 1,612,602 alleles (0.003%); highest among the groups gnomAD compares: Non-Finnish European, 0.0035%; no homozygotes.

Submissions (2):

Ambry Genetics
Classification: Uncertain significance for Inborn genetic diseases. Last evaluated: 2025-10-24. Review status: criteria provided, single submitter. Criteria: Ambry Variant Classification Scheme 2023. Collection method: clinical testing. Allele origin: germline.

Aleixo Muise Laboratory, Hospital For Sick Children
Classification: Likely pathogenic for Trichohepatoenteric syndrome 2. Last evaluated: 2024-07-05. Review status: criteria provided, single submitter. Criteria: ACMG Guidelines, 2015. Collection method: research. Allele origin: inherited. Affected: yes. Observed: 2 variant alleles.
Comment: PM2;PM3;PM5;PP1;PP3;PP4